The following is an entry in ClinVar:

NM_001303.4(COX10):c.1096G>A (p.Val366Met)

Gene: COX10 (cytochrome c oxidase assembly factor heme A:farnesyltransferase COX10; plus strand). Cytogenetic location: 17p12.
Variant type: single nucleotide variant.
Coding change: c.1096G>A on transcript NM_001303.4 (MANE Select); coding-DNA position 1096, G replaced by A.
Protein change: p.Val366Met; replaces valine 366 with methionine.
Molecular consequence: missense variant.
Genome position (GRCh38, 1-based): chr17:14,206,977, G>A. VCF-style: chr17-14206977-G-A. GRCh37 (hg19) VCF-style: chr17-14110294-G-A.
Other names: short protein forms V366M.
Identifiers: ClinVar variation 1333055 (VCV001333055.3), dbSNP rs111541535, ClinGen allele CA8402531.
Genomic context (GRCh38, chr17:14,206,977, plus strand): 5'-TCGGTCACCCACCCGGGCCTGTGCCGGCGCGTGGCGCTGCGCCACTGCCTGGCCCTGCTC[G>A]TGCTGTCCGCAGCAGCCCCTGTGCTGGACATCACCACATGGACCTTCCCCATCATGGCCC-3'
Protein context (NP_001294.2, residues 356-376): VALRHCLALL[Val366Met]LSAAAPVLDI

ClinVar aggregate classification (germline): Uncertain significance. Review status: criteria provided, multiple submitters, no conflicts (2 of 4 stars). 2 submissions from 2 submitters: Uncertain significance (2). Last evaluated 2022-05-30.

Conditions:
Mitochondrial complex IV deficiency, nuclear type 3. Also called: Mitochondrial complex 4 deficiency, nuclear type 3. Identifiers: MedGen C5436682, MONDO:0033635, OMIM 619046.

Allele frequency attached by ClinVar (database versions not stated): 1000 Genomes Project 30x 0.00031; 1000 Genomes Project 0.00040.
gnomAD v4.1: 61 of 1,614,022 alleles (0.0038%); highest among the groups gnomAD compares: East Asian, 0.036%; no homozygotes.

Submissions (2):

Fulgent Genetics
Classification: Uncertain significance for Mitochondrial complex IV deficiency, nuclear type 3. Last evaluated: 2022-05-30. Review status: criteria provided, single submitter. Criteria: ACMG Guidelines, 2015. Collection method: clinical testing. Allele origin: unknown.

GeneDx
Classification: Uncertain significance. Last evaluated: 2022-01-07. Review status: criteria provided, single submitter. Criteria: GeneDx Variant Classification Process June 2021. Collection method: clinical testing. Allele origin: germline. Affected: yes.
Comment: In silico analysis supports that this missense variant does not alter protein structure/function; Has not been previously published as pathogenic or benign to our knowledge